The following is an entry in ClinVar:

ClinVar aggregate classification (germline): Likely benign. Review status: criteria provided, multiple submitters, no conflicts (2 of 4 stars). 2 submissions from 2 submitters: Likely benign (2). Last evaluated 2026-03-19.

Conditions:
Cardiovascular phenotype. Identifiers: MedGen CN230736.
SOS1-related disorder. Also called: SOS1-related condition.

Submissions (2):

PreventionGenetics, part of Exact Sciences
Classification: Likely benign for SOS1-related condition. Last evaluated: 2026-03-19. Review status: criteria provided, single submitter. Criteria: ACMG Guidelines, 2015. Collection method: clinical testing. Allele origin: germline.
Comment: This variant is classified as likely benign based on ACMG/AMP sequence variant interpretation guidelines (Richards et al. 2015 PMID: 25741868, with internal and published modifications).

Ambry Genetics
Classification: Likely benign for Cardiovascular phenotype. Last evaluated: 2024-10-22. Review status: criteria provided, single submitter. Criteria: Ambry Variant Classification Scheme 2023. Collection method: clinical testing. Allele origin: germline.

NM_005633.4(SOS1):c.63A>G (p.Gly21=)

Genes: SOS1 (SOS Ras/Rac guanine nucleotide exchange factor 1; minus strand), LOC129933535 (ATAC-STARR-seq lymphoblastoid silent region 11384; plus strand). Cytogenetic location: 2p22.1.
Variant type: single nucleotide variant.
Coding change: c.63A>G on transcript NM_005633.4 (MANE Select); coding-DNA position 63, A replaced by G.
Protein change: p.Gly21=; no amino-acid change (glycine 21 retained).
Molecular consequence: synonymous variant. On other transcripts: intron variant (1).
Genome position (GRCh38, 1-based): chr2:39,120,360, T>C on the plus strand (A>G on the coding strand, the complement: SOS1 is on the minus strand). VCF-style: chr2-39120360-T-C. GRCh37 (hg19) VCF-style: chr2-39347501-T-C.
Other names: c.63A>G, p.Gly21= (NM_001382395.1); c.66+4304A>G (NM_001382394.1).
Identifiers: ClinVar variation 3447321 (VCV003447321.2).